The following is an entry in ClinVar:

ClinVar aggregate classification (germline): Uncertain significance. Review status: criteria provided, multiple submitters, no conflicts (2 of 4 stars). 2 submissions from 2 submitters: Uncertain significance (2). Last evaluated 2025-04-03.

gnomAD v4.1: 14 of 1,611,864 alleles (0.00087%); highest among the groups gnomAD compares: Admixed American, 0.0033%; no homozygotes.

Submissions (2):

Athena Diagnostics
Classification: Uncertain significance. Last evaluated: 2025-04-03. Review status: criteria provided, single submitter. Criteria: Athena Diagnostics Criteria. Collection method: clinical testing. Allele origin: unknown.
Comment: Available data are insufficient to determine the clinical significance of the variant at this time. The frequency of this variant in the general population is uninformative in assessment of its pathogenicity. Polyphen and MutationTaster predict this amino acid change may be benign.

Dasa
Classification: Uncertain significance. Last evaluated: 2024-12-09. Review status: criteria provided, single submitter. Criteria: DASA Assertion Criteria. Collection method: clinical testing. Allele origin: germline.
Comment: NM_005529.7(HSPG2):c.8623G>A (p.Gly2875Ser) is a missense variant that results in the substitution of glycine with serine. This variant is rare in population databases. Computational prediction algorithms are consistent with a benign effect. The currently available literature and clinical evidence are not sufficient to establish a definitive association between this variant and the reported condition. Therefore, this variant is classified as a variant of uncertain significance.

NM_005529.7(HSPG2):c.8623G>A (p.Gly2875Ser)

Gene: HSPG2 (heparan sulfate proteoglycan 2; minus strand). Cytogenetic location: 1p36.12.
Variant type: single nucleotide variant.
Coding change: c.8623G>A on transcript NM_005529.7 (MANE Select); coding-DNA position 8623, G replaced by A.
Protein change: p.Gly2875Ser; replaces glycine 2875 with serine.
Molecular consequence: missense variant.
Genome position (GRCh38, 1-based): chr1:21,843,432, C>T on the plus strand (G>A on the coding strand, the complement: HSPG2 is on the minus strand). VCF-style: chr1-21843432-C-T. GRCh37 (hg19) VCF-style: chr1-22169925-C-T.
Other names: c.8626G>A, p.Gly2876Ser (NM_001291860.2); short protein forms G2875S, G2876S.
Identifiers: ClinVar variation 4682262 (VCV004682262.3).